The following is an entry in ClinVar:

NM_032043.3(BRIP1):c.2583T>G (p.Ser861=)

Gene: BRIP1 (BRCA1 interacting DNA helicase 1; minus strand). Cytogenetic location: 17q23.2.
Variant type: single nucleotide variant.
Coding change: c.2583T>G on transcript NM_032043.3 (MANE Select); coding-DNA position 2583, T replaced by G.
Protein change: p.Ser861=; no amino-acid change (serine 861 retained).
Molecular consequence: synonymous variant.
Genome position (GRCh38, 1-based): chr17:61,686,158, A>C on the plus strand (T>G on the coding strand, the complement: BRIP1 is on the minus strand). VCF-style: chr17-61686158-A-C. GRCh37 (hg19) VCF-style: chr17-59763519-A-C.
Other names: c.2583T>G (NM_032043.2).
Identifiers: ClinVar variation 1132889 (VCV001132889.12), dbSNP rs2144118726, ClinGen allele CA501143957.

ClinVar aggregate classification (germline): Benign/Likely benign. Review status: criteria provided, multiple submitters, no conflicts (2 of 4 stars). 3 submissions from 3 submitters: Benign (1); Likely benign (2). Last evaluated 2025-09-24.

Conditions:
Familial cancer of breast. Also called: Hereditary breast cancer; BREAST CANCER, FAMILIAL; hereditary breast carcinoma. Identifiers: Orphanet 227535, MedGen C0346153, MONDO:0016419, OMIM 114480. Disease mechanism: loss of function.
Hereditary cancer-predisposing syndrome. Also called: Neoplastic Syndromes, Hereditary; Hereditary neoplastic syndrome; Tumor predisposition; Hereditary Cancer Syndrome. Identifiers: Orphanet 140162, MedGen C0027672, MeSH D009386, MONDO:0015356.
Fanconi anemia complementation group J. Also called: BRIP1-Related Fanconi Anemia. Identifiers: Orphanet 84, MedGen C1836860, MONDO:0012187, OMIM 609054.

Allele frequency attached by ClinVar (database versions not stated): gnomAD exomes below 0.00001.
gnomAD v4.1: 2 of 1,614,082 alleles (0.00012%); highest among the groups gnomAD compares: Non-Finnish European, 0.00017%; no homozygotes.

Submissions (3):

Labcorp Genetics (formerly Invitae), Labcorp
Classification: Likely benign for Familial cancer of breast; Fanconi anemia complementation group J. Last evaluated: 2025-09-24. Review status: criteria provided, single submitter. Criteria: Invitae Variant Classification Sherloc (09022015). Collection method: clinical testing. Allele origin: germline.

Myriad Genetics, Inc.
Classification: Benign for Familial cancer of breast. Last evaluated: 2024-09-05. Review status: criteria provided, single submitter. Criteria: Myriad Autosomal Dominant, Autosomal Recessive and X-Linked Classification Criteria (2023). Collection method: clinical testing. Allele origin: unknown.
Comment: This variant is considered benign. This variant is a silent/synonymous amino acid change and it is not expected to impact splicing.

Ambry Genetics
Classification: Likely benign for Hereditary cancer-predisposing syndrome. Last evaluated: 2023-09-01. Review status: criteria provided, single submitter. Criteria: Ambry Variant Classification Scheme 2023. Collection method: clinical testing. Allele origin: germline.